The following is an entry in ClinVar:

ClinVar aggregate classification (germline): Uncertain significance (1 of 4 stars; one submission).

Submission:

GeneDx
Classification: Uncertain significance. Last evaluated: 2025-05-24. Review status: criteria provided, single submitter. Criteria: GeneDx Variant Classification Process June 2021. Collection method: clinical testing. Allele origin: germline. Affected: yes.
Comment: Not observed at significant frequency in large population cohorts (gnomAD); In silico analysis suggests that this missense variant does not alter protein structure/function; Has not been previously published as pathogenic or benign to our knowledge

NM_000132.4(F8):c.4892C>T (p.Ala1631Val)

Gene: F8 (coagulation factor VIII; minus strand). Cytogenetic location: Xq28.
Variant type: single nucleotide variant.
Coding change: c.4892C>T on transcript NM_000132.4 (MANE Select); coding-DNA position 4892, C replaced by T.
Protein change: p.Ala1631Val; replaces alanine 1631 with valine.
Molecular consequence: missense variant.
Genome position (GRCh38, 1-based): chrX:154,928,898, G>A on the plus strand (C>T on the coding strand, the complement: F8 is on the minus strand). VCF-style: chrX-154928898-G-A. GRCh37 (hg19) VCF-style: chrX-154157173-G-A.
Other names: short protein forms A1631V.
Identifiers: ClinVar variation 4530760 (VCV004530760.1).